The following is an entry in ClinVar:

ClinVar aggregate classification (germline): Uncertain significance. Review status: criteria provided, multiple submitters, no conflicts (2 of 4 stars). 2 submissions from 2 submitters: Uncertain significance (2). Last evaluated 2024-10-17.

Conditions:
Neurofibromatosis, type 1 (NF1). Also called: Peripheral type neurofibromatosis; VON RECKLINGHAUSEN DISEASE; NEUROFIBROMATOSIS, TYPE I, SOMATIC; Neurofibromatosis, type I. Identifiers: Orphanet 636, MedGen C0027831, MONDO:0018975, OMIM 162200. Disease mechanism: loss of function.

Submissions (2):

Labcorp Genetics (formerly Invitae), Labcorp
Classification: Uncertain significance for Neurofibromatosis, type 1. Last evaluated: 2024-10-17. Review status: criteria provided, single submitter. Criteria: Invitae Variant Classification Sherloc (09022015). Collection method: clinical testing. Allele origin: germline.
Comment: This sequence change falls in intron 38 of the NF1 gene. It does not directly change the encoded amino acid sequence of the NF1 protein. It affects a nucleotide within the consensus splice site. This variant is not present in population databases (gnomAD no frequency). This variant has been observed in individual(s) with neurofibromatosis type 1 (PMID: 16479075). This variant is also known as c.5749+4_+7delAGTA. ClinVar contains an entry for this variant (Variation ID: 1709551). Variants that disrupt the consensus splice site are a relatively common cause of aberrant splicing (PMID: 17576681, 9536098). Algorithms developed to predict the effect of sequence changes on RNA splicing suggest that this variant may disrupt the consensus splice site. In summary, the available evidence is currently insufficient to determine the role of this variant in disease. Therefore, it has been classified as a Variant of Uncertain Significance.

MGZ Medical Genetics Center
Classification: Uncertain significance for Neurofibromatosis, type 1. Last evaluated: 2022-06-10. Review status: criteria provided, single submitter. Criteria: ACMG Guidelines, 2015. Collection method: clinical testing. Allele origin: germline. Affected: yes. Observed: 2 variant alleles.
Comment: ACMG criteria applied: PM2_SUP, PP3

Literature cited by the submitters: PubMed 16479075 (cited by Labcorp Genetics (formerly Invitae), Labcorp); PubMed 17576681 (cited by Labcorp Genetics (formerly Invitae), Labcorp); PubMed 9536098 (cited by Labcorp Genetics (formerly Invitae), Labcorp).

NM_001042492.3(NF1):c.5812+5_5812+8del

Gene: NF1 (neurofibromin 1; plus strand). Cytogenetic location: 17q11.2.
Variant type: Microsatellite.
Coding change: c.5812+5_5812+8del on transcript NM_001042492.3 (MANE Select); bases 5 to 8 of the intron after coding-DNA position 5812, 4 bases deleted (GTAA; older notation c.5812+5_5812+8delGTAA).
Molecular consequence: splice donor variant.
Genome position (GRCh38, 1-based): chr17:31,330,503-31,330,506, GTAA deleted; deleting any 4 consecutive bases within chr17:31,330,498-31,330,506 gives the same sequence; the c. name uses the placement nearest the transcript's 3' end. VCF-style (leftmost placement, unchanged base first): chr17-31330497-TAGTA-T. GRCh37 (hg19) VCF-style: chr17-29657515-TAGTA-T.
Other names: c.5812_5812+3del (NM_001042492.3); c.5749+5_5749+8del (NM_000267.4).
Identifiers: ClinVar variation 1709551 (VCV001709551.7), dbSNP rs2508719800, ClinGen allele CA2580614103.